The following is an entry in ClinVar:

ClinVar aggregate classification (germline): Conflicting classifications of pathogenicity. Review status: criteria provided, conflicting classifications (1 of 4 stars). 12 submissions from 11 submitters: Uncertain significance (6); Benign (3); Likely benign (1). 2 of the submissions do not count toward it. Last evaluated 2026-01-17.

Conditions:
Perrault syndrome. Also called: Gonadal dysgenesis with auditory dysfunction, autosomal recessive inheritance. Identifiers: Orphanet 2855, MedGen C0685838, MONDO:0017312.
Bifunctional peroxisomal enzyme deficiency (DBIF). Also called: PBFE DEFICIENCY; D-bifunctional protein deficiency; DBP DEFICIENCY. Identifiers: Orphanet 300, MedGen C0342870, MONDO:0009855, OMIM 261515. Disease mechanism: loss of function.
HSD17B4-related disorder. Also called: HSD17B4-related disorders; HSD17B4-related condition.
Perrault syndrome 1 (PRLTS1). Also called: OVARIAN DYSGENESIS WITH SENSORINEURAL DEAFNESS; GONADAL DYSGENESIS, XX TYPE, WITH DEAFNESS. Identifiers: Orphanet 2855, Orphanet 642945, MedGen C4551721, MONDO:0009300, OMIM 233400.

Allele frequency attached by ClinVar (database versions not stated): 1000 Genomes Project 0.00020; TOPMed 0.00020; gnomAD 0.00021 and 0.00023; ESP Exome Variant Server 0.00023; 1000 Genomes Project 30x 0.00031; ExAC 0.00041; gnomAD exomes 0.00046.
gnomAD v4.1: 732 of 1,598,012 alleles (0.046%); highest among the groups gnomAD compares: South Asian, 0.22%; 5 homozygotes.

Submissions (12):

Labcorp Genetics (formerly Invitae), Labcorp
Classification: Benign for Perrault syndrome; Bifunctional peroxisomal enzyme deficiency. Last evaluated: 2026-01-17. Review status: criteria provided, single submitter. Criteria: Invitae Variant Classification Sherloc (09022015). Collection method: clinical testing. Allele origin: germline.

CeGaT Center for Human Genetics Tuebingen
Classification: Likely benign. Last evaluated: 2023-01-01. Review status: criteria provided, single submitter. Criteria: CeGaT Center For Human Genetics Tuebingen Variant Classification Criteria Version 2. Collection method: clinical testing. Allele origin: germline. Affected: yes. Observed: 1 variant allele.
Comment: HSD17B4: BS2

GeneDx
Classification: Benign. Last evaluated: 2020-07-28. Review status: criteria provided, single submitter. Criteria: GeneDx Variant Classification Process June 2021. Collection method: clinical testing. Allele origin: germline. Affected: yes.

Department of Pathology and Laboratory Medicine, Sinai Health System
Classification: Benign for Perrault syndrome 1; Bifunctional peroxisomal enzyme deficiency. Last evaluated: 2020-05-15. Review status: criteria provided, single submitter. Criteria: ACMG Guidelines, 2015. Collection method: research. Allele origin: germline.

Revvity Omics, Revvity
Classification: Uncertain significance. Last evaluated: 2019-01-18. Review status: criteria provided, single submitter. Criteria: ACMG Guidelines, 2015. Collection method: clinical testing. Allele origin: germline.

Fulgent Genetics
Classification: Uncertain significance for Perrault syndrome 1; Bifunctional peroxisomal enzyme deficiency. Last evaluated: 2018-10-31. Review status: criteria provided, single submitter. Criteria: ACMG Guidelines, 2015. Collection method: clinical testing. Allele origin: unknown.

Eurofins Ntd Llc (ga)
Classification: Uncertain significance. Last evaluated: 2018-01-30. Review status: criteria provided, single submitter. Criteria: EGL Classification Definitions 2015. Collection method: clinical testing. Allele origin: germline. Observed: 2 variant alleles, 2 heterozygotes.

Illumina Laboratory Services, Illumina
Classification: Uncertain significance for Perrault syndrome 1. Last evaluated: 2018-01-13. Review status: criteria provided, single submitter. Criteria: ICSL Variant Classification Criteria 13 December 2019. Collection method: clinical testing. Allele origin: germline.

Illumina Laboratory Services, Illumina
Classification: Uncertain significance for Bifunctional peroxisomal enzyme deficiency. Last evaluated: 2018-01-13. Review status: criteria provided, single submitter. Criteria: ICSL Variant Classification Criteria 13 December 2019. Collection method: clinical testing. Allele origin: germline.

Laboratory for Molecular Medicine, Mass General Brigham Personalized Medicine
Classification: Uncertain significance. Last evaluated: 2015-11-03. Review status: criteria provided, single submitter. Criteria: LMM Criteria. Collection method: clinical testing. Allele origin: germline. Observed: 1 variant allele.
Comment: The p.Thr342Met variant in HSD17B4 has not been previously reported in individua ls with hearing loss, Perrault syndrome or bi-functional protein deficiency. It has been identified in 0.21% (35/16512) of South Asian chromosomes (with lower f requencies in African, European and Latino chromosomes) by the Exome Aggregation Consortium (ExAC; dbSNP ID=rs150326995). Althou gh this variant has been seen in the general population, its frequency is not hi gh enough to rule out a pathogenic role. Computational prediction tools and cons ervation analyses do not provide strong support for or against an impact to the protein. In summary, the clinical significance of the p.Thr342Met variant is unc ertain.

PreventionGenetics, part of Exact Sciences
Classification: Likely benign for HSD17B4-related condition. Last evaluated: 2022-05-28. Review status: no assertion criteria provided. Collection method: clinical testing. Allele origin: germline. Not counted in ClinVar's aggregate classification.
Comment: This variant is classified as likely benign based on ACMG/AMP sequence variant interpretation guidelines (Richards et al. 2015 PMID: 25741868, with internal and published modifications).

Natera, Inc.
Classification: Likely benign for Bifunctional peroxisomal enzyme deficiency. Last evaluated: 2020-01-04. Review status: no assertion criteria provided. Collection method: clinical testing. Allele origin: germline. Not counted in ClinVar's aggregate classification.

NM_000414.4(HSD17B4):c.950C>T (p.Thr317Met)

Gene: HSD17B4 (hydroxysteroid 17-beta dehydrogenase 4; plus strand). Cytogenetic location: 5q23.1.
Variant type: single nucleotide variant.
Coding change: c.950C>T on transcript NM_000414.4 (MANE Select); coding-DNA position 950, C replaced by T.
Protein change: p.Thr317Met; replaces threonine 317 with methionine.
Molecular consequence: missense variant. On other transcripts: non-coding transcript variant (2).
Genome position (GRCh38, 1-based): chr5:119,496,624, C>T. VCF-style: chr5-119496624-C-T. GRCh37 (hg19) VCF-style: chr5-118832319-C-T.
Other names: c.1025C>T, p.Thr342Met (NM_001199291.3); c.896C>T, p.Thr299Met (NM_001199292.2); c.878C>T, p.Thr293Met (NM_001292027.2); c.530C>T, p.Thr177Met (NM_001292028.2); c.941C>T, p.Thr314Met (NM_001374497.1); c.950C>T, p.Thr317Met (NM_001374498.1); c.623C>T, p.Thr208Met (NM_001374499.1); c.509C>T, p.Thr170Met (NM_001374500.1); and 1 more; short protein forms T317M, T342M, T177M, T293M, T299M, T208M, T314M, T170M.
Identifiers: ClinVar variation 228741 (VCV000228741.54), dbSNP rs150326995, ClinGen allele CA3382045.
Genomic context (GRCh38, chr5:119,496,624, plus strand): 5'-AAGTTCTGAGTAAAATAGATTCAGAAGGAGGAGTTTCAGCAAATCATACTAGTCGTGCAA[C>T]GTCTACAGCAACATCAGGATTTGTAAGTGGGAAAAAAGCCTAAAGCGTTTGCCTTCTCTG-3'
Protein context (NP_000405.1, residues 307-327): GVSANHTSRA[Thr317Met]STATSGFAGA